The following is an entry in ClinVar:

ClinVar aggregate classification (germline): Uncertain significance. Review status: criteria provided, multiple submitters, no conflicts (2 of 4 stars). 4 submissions from 3 submitters: Uncertain significance (4). Last evaluated 2024-10-16.

Conditions:
Autosomal dominant nonsyndromic hearing loss 12. Also called: DEAFNESS, AUTOSOMAL DOMINANT 8. Identifiers: Orphanet 90635, MedGen C1832187, MONDO:0011102, OMIM 601543.
Autosomal recessive nonsyndromic hearing loss 21. Identifiers: Orphanet 90636, MedGen C1863655, MONDO:0011351, OMIM 603629.

Allele frequency attached by ClinVar (database versions not stated): gnomAD exomes 0.00002 and 0.00004; ExAC 0.00003; gnomAD 0.00004 and 0.00005; TOPMed 0.00005; ESP Exome Variant Server 0.00008.
gnomAD v4.1: 41 of 1,599,638 alleles (0.0026%); highest among the groups gnomAD compares: African/African-American, 0.0013%; no homozygotes.

Submissions (4):

Mayo Clinic Laboratories, Mayo Clinic
Classification: Uncertain significance. Last evaluated: 2024-10-16. Review status: criteria provided, single submitter. Criteria: ACMG Guidelines, 2015. Collection method: clinical testing. Allele origin: germline. Observed: 1 variant allele.
Comment: BP4, PM2_supporting

Blueprint Genetics
Classification: Uncertain significance. Last evaluated: 2023-09-01. Review status: criteria provided, single submitter. Criteria: ACMG Guidelines, 2015. Collection method: clinical testing. Allele origin: germline.

Illumina Laboratory Services, Illumina
Classification: Uncertain significance for Autosomal dominant nonsyndromic hearing loss 12. Last evaluated: 2018-01-12. Review status: criteria provided, single submitter. Criteria: ICSL Variant Classification Criteria 13 December 2019. Collection method: clinical testing. Allele origin: germline.

Illumina Laboratory Services, Illumina
Classification: Uncertain significance for Autosomal recessive nonsyndromic hearing loss 21. Last evaluated: 2018-01-12. Review status: criteria provided, single submitter. Criteria: ICSL Variant Classification Criteria 13 December 2019. Collection method: clinical testing. Allele origin: germline.

NM_005422.4(TECTA):c.2327A>T (p.Gln776Leu)

Genes: TBCEL-TECTA (TBCEL-TECTA readthrough; plus strand), TECTA (tectorin alpha; plus strand). Cytogenetic location: 11q23.3.
Variant type: single nucleotide variant.
Coding change: c.2327A>T on transcript NM_005422.4 (MANE Select); coding-DNA position 2327, A replaced by T.
Protein change: p.Gln776Leu; replaces glutamine 776 with leucine.
Molecular consequence: missense variant.
Genome position (GRCh38, 1-based): chr11:121,128,304, A>T. VCF-style: chr11-121128304-A-T. GRCh37 (hg19) VCF-style: chr11-120999013-A-T.
Other names: p.Gln776Leu; short protein forms Q776L.
Identifiers: ClinVar variation 879227 (VCV000879227.6), dbSNP rs374863954, ClinGen allele CA6326956.